The following is an entry in ClinVar:

ClinVar aggregate classification (germline): Uncertain significance (1 of 4 stars; one submission).

gnomAD v4.1: 1 of 1,613,184 alleles (0.000062%); highest among the groups gnomAD compares: Non-Finnish European, 0.000085%; no homozygotes.

Submission:

Women's Health and Genetics/Laboratory Corporation of America, LabCorp
Classification: Uncertain significance. Last evaluated: 2026-05-07. Review status: criteria provided, single submitter. Criteria: LabCorp Variant Classification Summary - May 2015. Collection method: clinical testing. Allele origin: germline.
Comment: Variant summary: STUB1 c.794G>A (p.Gly265Asp) results in a non-conservative amino acid change in the encoded protein sequence. Algorithms developed to predict the effect of missense changes on protein structure and function are either unavailable or do not agree on the potential impact of this missense change. The variant was absent in 250628 control chromosomes. The available data on variant occurrences in the general population are insufficient to allow any conclusion about variant significance. c.794G>A has been observed in heterozygous individual(s) affected with Spinocerebellar Ataxia 48 (Roux_2020, Ravel_2021). These data do not allow any conclusion about variant significance. To our knowledge, no experimental evidence demonstrating an impact on protein function has been reported. The following publications have been ascertained in the context of this evaluation (PMID: 28444220, 33417001, 32713943). No submitters have cited clinical-significance assessments for this variant to ClinVar. Based on the evidence outlined above, the variant was classified as uncertain significance.

Literature cited by the submitters: PubMed 28444220; PubMed 33417001; PubMed 32713943.

NM_005861.4(STUB1):c.794G>A (p.Gly265Asp)

Genes: JMJD8 (jumonji domain containing 8; minus strand), STUB1 (STIP1 homology and U-box containing protein 1; plus strand). Cytogenetic location: 16p13.3.
Variant type: single nucleotide variant.
Coding change: c.794G>A on transcript NM_005861.4 (MANE Select); coding-DNA position 794, G replaced by A.
Protein change: p.Gly265Asp; replaces glycine 265 with aspartic acid.
Molecular consequence: missense variant. On other transcripts: 3 prime UTR variant (5), non-coding transcript variant (3).
Genome position (GRCh38, 1-based): chr16:682,371, G>A. VCF-style: chr16-682371-G-A. GRCh37 (hg19) VCF-style: chr16-732371-G-A.
Other names: c.578G>A, p.Gly193Asp (NM_001293197.2); c.*423C>T (NM_001005920.4, NM_001323919.3, NM_001323920.3); c.*457C>T (NM_001323918.3, NM_001323922.3); short protein forms G193D, G265D.
Identifiers: ClinVar variation 4853492 (VCV004853492.1).